The following is an entry in ClinVar:

ClinVar aggregate classification (germline): Conflicting classifications of pathogenicity. Review status: criteria provided, conflicting classifications (1 of 4 stars). 4 submissions from 4 submitters: Likely pathogenic (2); Uncertain significance (2). Last evaluated 2026-03-24.

Conditions:
Autosomal recessive ataxia due to ubiquinone deficiency. Also called: Coenzyme Q10 deficiency, primary, 4; SPINOCEREBELLAR ATAXIA, AUTOSOMAL RECESSIVE 9. Identifiers: Orphanet 139485, MedGen C2677589, MONDO:0012784, OMIM 612016.

Allele frequency attached by ClinVar (database versions not stated): ExAC 0.00002; TOPMed 0.00005.
gnomAD v4.1: 24 of 1,611,492 alleles (0.0015%); highest among the groups gnomAD compares: Admixed American, 0.0083%; no homozygotes.

Submissions (4):

GeneDx
Classification: Likely pathogenic. Last evaluated: 2026-03-24. Review status: criteria provided, single submitter. Criteria: GeneDx Variant Classification Process June 2021. Collection method: clinical testing. Allele origin: germline.
Comment: Not observed at significant frequency in large population cohorts (gnomAD); In silico analysis supports that this missense variant has a deleterious effect on protein structure/function; This variant is associated with the following publications: (PMID: 29915382)

Labcorp Genetics (formerly Invitae), Labcorp
Classification: Uncertain significance. Last evaluated: 2025-06-02. Review status: criteria provided, single submitter. Criteria: Invitae Variant Classification Sherloc (09022015). Collection method: clinical testing. Allele origin: germline.
Comment: This sequence change replaces arginine, which is basic and polar, with glutamine, which is neutral and polar, at codon 410 of the COQ8A protein (p.Arg410Gln). The frequency data for this variant in the population databases is considered unreliable, as metrics indicate poor data quality at this position in the gnomAD database. This missense change has been observed in individual(s) with clinical features of coenzyme Q10 deficiency (PMID: 29915382). In at least one individual the data is consistent with being in trans (on the opposite chromosome) from a pathogenic variant. ClinVar contains an entry for this variant (Variation ID: 434089). Invitae Evidence Modeling of protein sequence and biophysical properties (such as structural, functional, and spatial information, amino acid conservation, physicochemical variation, residue mobility, and thermodynamic stability) has been performed for this missense variant. However, the output from this modeling did not meet the statistical confidence thresholds required to predict the impact of this variant on COQ8A protein function. In summary, the available evidence is currently insufficient to determine the role of this variant in disease. Therefore, it has been classified as a Variant of Uncertain Significance.

Athena Diagnostics
Classification: Uncertain significance. Last evaluated: 2016-11-16. Review status: criteria provided, single submitter. Criteria: Athena Diagnostics Criteria. Collection method: clinical testing. Allele origin: germline.

Genetic Services Laboratory, University of Chicago
Classification: Likely pathogenic for Coenzyme Q10 deficiency, primary, 4. Last evaluated: 2016-05-31. Review status: criteria provided, single submitter. Criteria: ACMG Guidelines, 2015. Collection method: clinical testing. Allele origin: germline. Affected: yes.

Literature cited by the submitters: PubMed 29915382 (cited by Labcorp Genetics (formerly Invitae), Labcorp).

NM_020247.5(COQ8A):c.1229G>A (p.Arg410Gln)

Gene: COQ8A (coenzyme Q8A; plus strand). Cytogenetic location: 1q42.13.
Variant type: single nucleotide variant.
Coding change: c.1229G>A on transcript NM_020247.5 (MANE Select); coding-DNA position 1229, G replaced by A.
Protein change: p.Arg410Gln; replaces arginine 410 with glutamine.
Molecular consequence: missense variant.
Genome position (GRCh38, 1-based): chr1:226,983,827, G>A. VCF-style: chr1-226983827-G-A. GRCh37 (hg19) VCF-style: chr1-227171528-G-A.
Other names: short protein forms R410Q.
Identifiers: ClinVar variation 434089 (VCV000434089.11), dbSNP rs763311061, ClinGen allele CA1425372.
Genomic context (GRCh38, chr1:226,983,827, plus strand): 5'-TCCCCGAGCACCTGATCGACGTGCTGAGGCGGGAGCTGGCCCTGGAGTGTGACTACCAGC[G>A]AGAGGCCGCCTGTGCCCGCAAGTTCAGGTGTGGCCCCCGGCCGGGCCCCTTGCGTGTTTG-3'
Protein context (NP_064632.2, residues 400-420): RELALECDYQ[Arg410Gln]EAACARKFRD